The following is an entry in ClinVar:

ClinVar aggregate classification (germline): Uncertain significance (1 of 4 stars; one submission).

Submission:

GeneDx
Classification: Uncertain significance. Last evaluated: 2026-03-31. Review status: criteria provided, single submitter. Criteria: GeneDx Variant Classification Process June 2021. Collection method: clinical testing. Allele origin: germline.
Comment: Not observed at significant frequency in large population cohorts (gnomAD); In silico analysis suggests that this missense variant does not alter protein structure/function; Has not been previously published as pathogenic or benign to our knowledge

NM_020922.5(WNK3):c.1813C>G (p.Gln605Glu)

Gene: WNK3 (WNK lysine deficient protein kinase 3; minus strand). Cytogenetic location: Xp11.22.
Variant type: single nucleotide variant.
Coding change: c.1813C>G on transcript NM_020922.5 (MANE Select); coding-DNA position 1813, C replaced by G.
Protein change: p.Gln605Glu; replaces glutamine 605 with glutamic acid.
Molecular consequence: missense variant.
Genome position (GRCh38, 1-based): chrX:54,293,208, G>C on the plus strand (C>G on the coding strand, the complement: WNK3 is on the minus strand). VCF-style: chrX-54293208-G-C. GRCh37 (hg19) VCF-style: chrX-54319641-G-C.
Other names: c.1813C>G, p.Gln605Glu (NM_001002838.4, NM_001395166.1); short protein forms Q605E.
Identifiers: ClinVar variation 5017761 (VCV005017761.1).